The following is an entry in ClinVar:

ClinVar aggregate classification (germline): Uncertain significance (1 of 4 stars; one submission).

Submission:

Dasa
Classification: Uncertain significance. Last evaluated: 2026-03-12. Review status: criteria provided, single submitter. Criteria: DASA Assertion Criteria. Collection method: clinical testing. Allele origin: germline.
Comment: NM_001347886.2(DNAH3):c.3244-1G>C affects a canonical splice site and is predicted to disrupt normal RNA splicing. This variant is rare in population databases. The currently available literature and clinical evidence are not sufficient to establish a definitive association between this variant and the reported condition. Therefore, this variant is classified as a variant of uncertain significance.

NM_001347886.2(DNAH3):c.3244-1G>C

Gene: DNAH3 (dynein axonemal heavy chain 3; minus strand). Cytogenetic location: 16p12.3.
Variant type: single nucleotide variant.
Coding change: c.3244-1G>C on transcript NM_001347886.2 (MANE Select); the canonical splice acceptor site of the intron before coding-DNA position 3244, G replaced by C.
Molecular consequence: splice acceptor variant.
Genome position (GRCh38, 1-based): chr16:21,067,420, C>G on the plus strand (G>C on the coding strand, the complement: DNAH3 is on the minus strand). VCF-style: chr16-21067420-C-G. GRCh37 (hg19) VCF-style: chr16-21078741-C-G.
Other names: c.3382-1G>C (NM_017539.2).
Identifiers: ClinVar variation 4883204 (VCV004883204.2).